The following is an entry in ClinVar:

ClinVar aggregate classification (germline): Uncertain significance (1 of 4 stars; one submission).

Conditions:
Cohen syndrome (COH1). Also called: Cutis verticis gyrata, retinitis pigmentosa, and sensorineural deafness; PEPPER SYNDROME. Identifiers: Orphanet 193, MedGen C0265223, MONDO:0008999, OMIM 216550.

Submission:

Labcorp Genetics (formerly Invitae), Labcorp
Classification: Uncertain significance for Cohen syndrome. Last evaluated: 2023-11-28. Review status: criteria provided, single submitter. Criteria: Invitae Variant Classification Sherloc (09022015). Collection method: clinical testing. Allele origin: germline.
Comment: This sequence change replaces aspartic acid, which is acidic and polar, with histidine, which is basic and polar, at codon 3303 of the VPS13B protein (p.Asp3303His). This variant is not present in population databases (gnomAD no frequency). This variant has not been reported in the literature in individuals affected with VPS13B-related conditions. ClinVar contains an entry for this variant (Variation ID: 2191308). Advanced modeling of protein sequence and biophysical properties (such as structural, functional, and spatial information, amino acid conservation, physicochemical variation, residue mobility, and thermodynamic stability) performed at Invitae indicates that this missense variant is expected to disrupt VPS13B protein function with a positive predictive value of 80%. In summary, the available evidence is currently insufficient to determine the role of this variant in disease. Therefore, it has been classified as a Variant of Uncertain Significance.

NM_152564.5(VPS13B):c.9832G>C (p.Asp3278His)

Gene: VPS13B (vacuolar protein sorting 13 homolog B; plus strand). Cytogenetic location: 8q22.2.
Variant type: single nucleotide variant.
Coding change: c.9832G>C on transcript NM_152564.5 (MANE Select); coding-DNA position 9832, G replaced by C.
Protein change: p.Asp3278His; replaces aspartic acid 3278 with histidine.
Molecular consequence: missense variant.
Genome position (GRCh38, 1-based): chr8:99,835,628, G>C. VCF-style: chr8-99835628-G-C. GRCh37 (hg19) VCF-style: chr8-100847856-G-C.
Other names: c.9907G>C, p.Asp3303His (NM_017890.5); short protein forms D3278H, D3303H.
Identifiers: ClinVar variation 2191308 (VCV002191308.4), dbSNP rs2492123769, ClinGen allele CA371784190.